The following is an entry in ClinVar:

ClinVar aggregate classification (germline): Uncertain significance (1 of 4 stars; one submission).

Conditions:
Hereditary cancer-predisposing syndrome. Also called: Neoplastic Syndromes, Hereditary; Tumor predisposition; Hereditary Cancer Syndrome; Hereditary neoplastic syndrome. Identifiers: Orphanet 140162, MedGen C0027672, MeSH D009386, MONDO:0015356.

Submission:

Ambry Genetics
Classification: Uncertain significance for Hereditary cancer-predisposing syndrome. Last evaluated: 2025-11-02. Review status: criteria provided, single submitter. Criteria: Ambry Variant Classification Scheme 2023. Collection method: clinical testing. Allele origin: germline.
Comment: The p.E1206G variant (also known as c.3617A>G), located in coding exon 28 of the EGFR gene, results from an A to G substitution at nucleotide position 3617. The glutamic acid at codon 1206 is replaced by glycine, an amino acid with similar properties. This amino acid position is conserved. In addition, this alteration is predicted to be tolerated by in silico analysis. Based on the available evidence, the clinical significance of this variant remains unclear.

NM_005228.5(EGFR):c.3617A>G (p.Glu1206Gly)

Gene: EGFR (epidermal growth factor receptor; plus strand). Cytogenetic location: 7p11.2.
Variant type: single nucleotide variant.
Coding change: c.3617A>G on transcript NM_005228.5 (MANE Select); coding-DNA position 3617, A replaced by G.
Protein change: p.Glu1206Gly; replaces glutamic acid 1206 with glycine.
Molecular consequence: missense variant.
Genome position (GRCh38, 1-based): chr7:55,205,601, A>G. VCF-style: chr7-55205601-A-G. GRCh37 (hg19) VCF-style: chr7-55273294-A-G.
Other names: c.3482A>G, p.Glu1161Gly (NM_001346899.2); c.3458A>G, p.Glu1153Gly (NM_001346900.2); c.2816A>G, p.Glu939Gly (NM_001346941.2); short protein forms E1153G, E1161G, E1206G, E939G.
Identifiers: ClinVar variation 4639354 (VCV004639354.1).